The following is an entry in ClinVar:

ClinVar aggregate classification (germline): Uncertain significance (1 of 4 stars; one submission).

Conditions:
Inborn genetic diseases. Identifiers: MedGen C0950123, MeSH D030342.

Submission:

Ambry Genetics
Classification: Uncertain significance for Inborn genetic diseases. Last evaluated: 2025-06-08. Review status: criteria provided, single submitter. Criteria: Ambry Variant Classification Scheme 2023. Collection method: clinical testing. Allele origin: germline.
Comment: The p.Q472E variant (also known as c.1414C>G), located in coding exon 1 of the SAMD9 gene, results from a C to G substitution at nucleotide position 1414. The glutamine at codon 472 is replaced by glutamic acid, an amino acid with highly similar properties. This amino acid position is conserved. In addition, this alteration is predicted to be tolerated by in silico analysis. Based on the available evidence, the clinical significance of this variant remains unclear.

NM_017654.4(SAMD9):c.1414C>G (p.Gln472Glu)

Gene: SAMD9 (sterile alpha motif domain containing 9; minus strand). Cytogenetic location: 7q21.2.
Variant type: single nucleotide variant.
Coding change: c.1414C>G on transcript NM_017654.4 (MANE Select); coding-DNA position 1414, C replaced by G.
Protein change: p.Gln472Glu; replaces glutamine 472 with glutamic acid.
Molecular consequence: missense variant.
Genome position (GRCh38, 1-based): chr7:93,104,684, G>C on the plus strand (C>G on the coding strand, the complement: SAMD9 is on the minus strand). VCF-style: chr7-93104684-G-C. GRCh37 (hg19) VCF-style: chr7-92733997-G-C.
Other names: c.1414C>G, p.Gln472Glu (NM_001193307.2); short protein forms Q472E.
Identifiers: ClinVar variation 3949713 (VCV003949713.1).